The following is an entry in ClinVar:

NM_005506.4(SCARB2):c.704+1G>A

Gene: SCARB2 (scavenger receptor class B member 2; minus strand). Cytogenetic location: 4q21.1.
Variant type: single nucleotide variant.
Coding change: c.704+1G>A on transcript NM_005506.4 (MANE Select); the canonical splice donor site of the intron after coding-DNA position 704, G replaced by A.
Molecular consequence: splice donor variant. On other transcripts: intron variant (1).
Genome position (GRCh38, 1-based): chr4:76,176,436, C>T on the plus strand (G>A on the coding strand, the complement: SCARB2 is on the minus strand). VCF-style: chr4-76176436-C-T. GRCh37 (hg19) VCF-style: chr4-77097589-C-T.
Other names: c.276-526G>A (NM_001204255.2).
Identifiers: ClinVar variation 268139 (VCV000268139.15), dbSNP rs886041076, ClinGen allele CA10602677.

ClinVar aggregate classification (germline): Pathogenic. Review status: criteria provided, multiple submitters, no conflicts (2 of 4 stars). 3 submissions from 3 submitters: Pathogenic (2). 1 of the submissions does not count toward it. Last evaluated 2022-06-13.

Conditions:
Action myoclonus-renal failure syndrome. Also called: SCARB2-Related Action Myoclonus-Renal Failure Syndrome; MYOCLONUS-NEPHROPATHY SYNDROME; EPILEPSY, PROGRESSIVE MYOCLONIC, 4, WITH RENAL FAILURE; EPILEPSY, PROGRESSIVE MYOCLONIC, 4, WITHOUT RENAL FAILURE. Identifiers: Orphanet 163696, MedGen C0751779, MeSH D020191, MONDO:0009699, OMIM 254900.
Progressive myoclonic epilepsy. Also called: Familial progressive myoclonic epilepsy; Myoclonic Epilepsies, Progressive; Progressive myoclonus epilepsy; Myoclonus epilepsy. Identifiers: Orphanet 308, Orphanet 98261, MedGen C0751778, MONDO:0020074.

Allele frequency attached by ClinVar (database versions not stated): TOPMed below 0.00001; gnomAD 0.00001.
gnomAD v4.1: 9 of 1,597,070 alleles (0.00056%); highest among the groups gnomAD compares: African/African-American, 0.0013%; no homozygotes.

Submissions (3):

Labcorp Genetics (formerly Invitae), Labcorp
Classification: Pathogenic for Progressive myoclonic epilepsy. Last evaluated: 2022-06-13. Review status: criteria provided, single submitter. Criteria: Invitae Variant Classification Sherloc (09022015). Collection method: clinical testing. Allele origin: germline.
Comment: Algorithms developed to predict the effect of sequence changes on RNA splicing suggest that this variant may disrupt the consensus splice site. For these reasons, this variant has been classified as Pathogenic. ClinVar contains an entry for this variant (Variation ID: 268139). This sequence change affects a donor splice site in intron 5 of the SCARB2 gene. It is expected to disrupt RNA splicing. Variants that disrupt the donor or acceptor splice site typically lead to a loss of protein function (PMID: 16199547), and loss-of-function variants in SCARB2 are known to be pathogenic (PMID: 19847901). This variant is not present in population databases (gnomAD no frequency). Disruption of this splice site has been observed in individuals with SCARB2-related conditions (PMID: 19847901, 22767442).

Revvity Omics, Revvity
Classification: Pathogenic for Action myoclonus-renal failure syndrome. Last evaluated: 2020-10-23. Review status: criteria provided, single submitter. Criteria: ACMG Guidelines, 2015. Collection method: clinical testing. Allele origin: germline.

GeneReviews
No classification provided. Condition: Action myoclonus-renal failure syndrome. Review status: no classification provided. Collection method: literature only. Allele origin: germline. Affected: yes. Not counted in ClinVar's aggregate classification.

Literature cited by the submitters: PubMed 16199547 (cited by Labcorp Genetics (formerly Invitae), Labcorp); PubMed 19847901 (cited by Labcorp Genetics (formerly Invitae), Labcorp); PubMed 22767442 (cited by Labcorp Genetics (formerly Invitae), Labcorp and GeneReviews); PubMed 24339182 (cited by GeneReviews); NCBI Bookshelf NBK333437 (cited by GeneReviews).